The following is an entry in ClinVar:

NM_000430.4(PAFAH1B1):c.774G>A (p.Val258=)

Gene: PAFAH1B1 (platelet activating factor acetylhydrolase 1b regulatory subunit 1; plus strand). Cytogenetic location: 17p13.3.
Variant type: single nucleotide variant.
Coding change: c.774G>A on transcript NM_000430.4 (MANE Select); coding-DNA position 774, G replaced by A.
Protein change: p.Val258=; no amino-acid change (valine 258 retained).
Molecular consequence: synonymous variant.
Genome position (GRCh38, 1-based): chr17:2,674,162, G>A. VCF-style: chr17-2674162-G-A. GRCh37 (hg19) VCF-style: chr17-2577456-G-A.
Other names: c.774G>A (NM_000430.3).
Identifiers: ClinVar variation 2023686 (VCV002023686.14), dbSNP rs2151667904, ClinGen allele CA497474050.

ClinVar aggregate classification (germline): Likely benign. Review status: criteria provided, multiple submitters, no conflicts (2 of 4 stars). 3 submissions from 3 submitters: Likely benign (2). 1 of the submissions does not count toward it. Last evaluated 2025-06-01.

Conditions:
PAFAH1B1-related disorder. Also called: PAFAH1B1-related condition.

Submissions (3):

CeGaT Center for Human Genetics Tuebingen
Classification: Likely benign. Last evaluated: 2025-06-01. Review status: criteria provided, single submitter. Criteria: CeGaT Center For Human Genetics Tuebingen Variant Classification Criteria Version 2. Collection method: clinical testing. Allele origin: germline. Affected: yes. Observed: 1 variant allele.
Comment: PAFAH1B1: PM2:Supporting, BP4, BP7

Labcorp Genetics (formerly Invitae), Labcorp
Classification: Likely benign. Last evaluated: 2025-03-31. Review status: criteria provided, single submitter. Criteria: Invitae Variant Classification Sherloc (09022015). Collection method: clinical testing. Allele origin: germline.

PreventionGenetics, part of Exact Sciences
Classification: Likely benign for PAFAH1B1-related condition. Last evaluated: 2023-04-18. Review status: no assertion criteria provided. Collection method: clinical testing. Allele origin: germline. Not counted in ClinVar's aggregate classification.
Comment: This variant is classified as likely benign based on ACMG/AMP sequence variant interpretation guidelines (Richards et al. 2015 PMID: 25741868, with internal and published modifications).